The following is an entry in ClinVar:

ClinVar aggregate classification (germline): Pathogenic (1 of 4 stars; one submission).

Conditions:
Mendelian susceptibility to mycobacterial diseases due to complete IL12RB1 deficiency. Also called: IL12RB1 DEFICIENCY; Immunodeficiency 30. Identifiers: Orphanet 319552, MedGen C4013949, MONDO:0013955, OMIM 614891.

gnomAD v4.1: 7 of 1,600,842 alleles (0.00044%); highest among the groups gnomAD compares: Non-Finnish European, 0.0006%; no homozygotes.

Submission:

Labcorp Genetics (formerly Invitae), Labcorp
Classification: Pathogenic for Mendelian susceptibility to mycobacterial diseases due to complete IL12RB1 deficiency. Last evaluated: 2025-03-13. Review status: criteria provided, single submitter. Criteria: Invitae Variant Classification Sherloc (09022015). Collection method: clinical testing. Allele origin: germline.
Comment: This sequence change creates a premature translational stop signal (p.Glu627*) in the IL12RB1 gene. It is expected to result in an absent or disrupted protein product. Loss-of-function variants in IL12RB1 are known to be pathogenic (PMID: 9603733, 12591909). This variant is not present in population databases (gnomAD no frequency). This variant has not been reported in the literature in individuals affected with IL12RB1-related conditions. For these reasons, this variant has been classified as Pathogenic.

Literature cited by the submitters: PubMed 9603733; PubMed 12591909.

NM_005535.3(IL12RB1):c.1879G>T (p.Glu627Ter)

Gene: IL12RB1 (interleukin 12 receptor subunit beta 1; minus strand). Cytogenetic location: 19p13.11.
Variant type: single nucleotide variant.
Coding change: c.1879G>T on transcript NM_005535.3 (MANE Select); coding-DNA position 1879, G replaced by T.
Protein change: p.Glu627Ter; replaces glutamic acid 627 with a stop codon.
Molecular consequence: nonsense.
Genome position (GRCh38, 1-based): chr19:18,059,998, C>A on the plus strand (G>T on the coding strand, the complement: IL12RB1 is on the minus strand). VCF-style: chr19-18059998-C-A. GRCh37 (hg19) VCF-style: chr19-18170808-C-A.
Other names: c.1879G>T, p.Glu627Ter (NM_001290023.2); c.1999G>T, p.Glu667Ter (NM_001290024.2); short protein forms E667*, E627*.
Identifiers: ClinVar variation 3703921 (VCV003703921.2).